The following is an entry in ClinVar:

ClinVar aggregate classification (germline): Uncertain significance (1 of 4 stars; one submission).

Allele frequency attached by ClinVar (database versions not stated): ExAC 0.00001; gnomAD 0.00004; TOPMed 0.00005; ESP Exome Variant Server 0.00008.
gnomAD v4.1: 11 of 1,614,084 alleles (0.00068%); highest among the groups gnomAD compares: African/African-American, 0.011%; no homozygotes.

Submission:

Labcorp Genetics (formerly Invitae), Labcorp
Classification: Uncertain significance. Last evaluated: 2024-04-05. Review status: criteria provided, single submitter. Criteria: Invitae Variant Classification Sherloc (09022015). Collection method: clinical testing. Allele origin: germline.
Comment: This sequence change replaces glycine, which is neutral and non-polar, with valine, which is neutral and non-polar, at codon 220 of the PIGV protein (p.Gly220Val). This variant is present in population databases (rs369077530, gnomAD 0.02%). This variant has not been reported in the literature in individuals affected with PIGV-related conditions. ClinVar contains an entry for this variant (Variation ID: 2077184). Advanced modeling of protein sequence and biophysical properties (such as structural, functional, and spatial information, amino acid conservation, physicochemical variation, residue mobility, and thermodynamic stability) performed at Invitae indicates that this missense variant is not expected to disrupt PIGV protein function with a negative predictive value of 80%. In summary, the available evidence is currently insufficient to determine the role of this variant in disease. Therefore, it has been classified as a Variant of Uncertain Significance.

NM_017837.4(PIGV):c.659G>T (p.Gly220Val)

Gene: PIGV (phosphatidylinositol glycan anchor biosynthesis class V; plus strand). Cytogenetic location: 1p36.11.
Variant type: single nucleotide variant.
Coding change: c.659G>T on transcript NM_017837.4 (MANE Select); coding-DNA position 659, G replaced by T.
Protein change: p.Gly220Val; replaces glycine 220 with valine.
Molecular consequence: missense variant. On other transcripts: non-coding transcript variant (1), intron variant (3).
Genome position (GRCh38, 1-based): chr1:26,794,693, G>T. VCF-style: chr1-26794693-G-T. GRCh37 (hg19) VCF-style: chr1-27121184-G-T.
Other names: c.659G>T, p.Gly220Val (NM_001202554.2, NM_001374478.1, NM_001374480.1 and 2 more transcripts); c.278G>T, p.Gly93Val (NM_001374483.1); c.173-141G>T (NM_001374484.1, NM_001374485.1); c.79-2870G>T (NM_001374486.1); short protein forms G93V, G220V.
Identifiers: ClinVar variation 2077184 (VCV002077184.2), dbSNP rs369077530, ClinGen allele CA708093.
Genomic context (GRCh38, chr1:26,794,693, plus strand): 5'-CTGGGGTACGCTCCAACGGGCTGGTCAGTGTTGGCTTCCTCATGCATTCTCAATGCCAAG[G>T]CTTTTTCTCTTCTCTAACGATGCTGAATCCTCTGAGACAGCTCTTTAAGCTGATGGCCTC-3'
Protein context (NP_060307.2, residues 210-230): VGFLMHSQCQ[Gly220Val]FFSSLTMLNP